The following is an entry in ClinVar:

ClinVar aggregate classification (germline): Uncertain significance (1 of 4 stars; one submission).

Submission:

GeneDx
Classification: Uncertain significance. Last evaluated: 2026-03-16. Review status: criteria provided, single submitter. Criteria: GeneDx Variant Classification Process June 2021. Collection method: clinical testing. Allele origin: germline.
Comment: Not observed at significant frequency in large population cohorts (gnomAD); In silico analysis suggests that this missense variant does not alter protein structure/function; Has not been previously published as pathogenic or benign to our knowledge

NM_031407.7(HUWE1):c.1571T>A (p.Phe524Tyr)

Gene: HUWE1 (HECT, UBA and WWE domain containing E3 ubiquitin protein ligase 1; minus strand). Cytogenetic location: Xp11.22.
Variant type: single nucleotide variant.
Coding change: c.1571T>A on transcript NM_031407.7 (MANE Select); coding-DNA position 1571, T replaced by A.
Protein change: p.Phe524Tyr; replaces phenylalanine 524 with tyrosine.
Molecular consequence: missense variant.
Genome position (GRCh38, 1-based): chrX:53,625,177, A>T on the plus strand (T>A on the coding strand, the complement: HUWE1 is on the minus strand). VCF-style: chrX-53625177-A-T. GRCh37 (hg19) VCF-style: chrX-53652138-A-T.
Other names: c.1571T>A, p.Phe524Tyr (NM_001441048.1, NM_001441049.1, NM_001441051.1 and 6 more transcripts); c.1592T>A, p.Phe531Tyr (NM_001441050.1, NM_001441055.1); short protein forms F524Y, F531Y.
Identifiers: ClinVar variation 5009164 (VCV005009164.1).